The following is an entry in ClinVar:

NM_014423.4(AFF4):c.784G>A (p.Gly262Arg)

Gene: AFF4 (ALF transcription elongation factor 4; minus strand). Cytogenetic location: 5q31.1.
Variant type: single nucleotide variant.
Coding change: c.784G>A on transcript NM_014423.4 (MANE Select); coding-DNA position 784, G replaced by A.
Protein change: p.Gly262Arg; replaces glycine 262 with arginine.
Molecular consequence: missense variant.
Genome position (GRCh38, 1-based): chr5:132,934,281, C>T on the plus strand (G>A on the coding strand, the complement: AFF4 is on the minus strand). VCF-style: chr5-132934281-C-T. GRCh37 (hg19) VCF-style: chr5-132269973-C-T.
Other names: short protein forms G262R.
Identifiers: ClinVar variation 4886703 (VCV004886703.2).
Genomic context (GRCh38, chr5:132,934,281, plus strand): 5'-TGCCATGGGATTGGCTGCTGTAGTGCTCAGAGGACAGCTTTGGTTCCATGGACTCCTGTC[C>T]GTCCATGGGCCGCACATAGGCAGTGGGTTTCTGTAACATTGAATTGGACTTTGACATCAA-3'
Protein context (NP_055238.1, residues 252-272): KPTAYVRPMD[Gly262Arg]QESMEPKLSS

ClinVar aggregate classification (germline): Uncertain significance (1 of 4 stars; one submission).

gnomAD v4.1: 1 of 1,614,142 alleles (0.000062%); highest among the groups gnomAD compares: Admixed American, 0.0017%; no homozygotes.

Submission:

Dasa
Classification: Uncertain significance. Last evaluated: 2024-12-23. Review status: criteria provided, single submitter. Criteria: DASA Assertion Criteria. Collection method: clinical testing. Allele origin: germline.
Comment: NM_014423.4(AFF4):c.784G>A (p.Gly262Arg) is a missense variant that results in the substitution of glycine with arginine. This variant is rare in population databases. Computational prediction algorithms are consistent with a deleterious effect. The currently available literature and clinical evidence are not sufficient to establish a definitive association between this variant and the reported condition. Therefore, this variant is classified as a variant of uncertain significance.